The following is an entry in ClinVar:

NM_006019.4(TCIRG1):c.1460G>A (p.Trp487Ter)

Gene: TCIRG1 (T cell immune regulator 1, ATPase H+ transporting V0 subunit a3; plus strand). Cytogenetic location: 11q13.2.
Variant type: single nucleotide variant.
Coding change: c.1460G>A on transcript NM_006019.4 (MANE Select); coding-DNA position 1460, G replaced by A.
Protein change: p.Trp487Ter; replaces tryptophan 487 with a stop codon.
Molecular consequence: nonsense.
Genome position (GRCh38, 1-based): chr11:68,047,801, G>A. VCF-style: chr11-68047801-G-A. GRCh37 (hg19) VCF-style: chr11-67815268-G-A.
Other names: c.566G>A, p.Trp189Ter (NM_001351059.2); c.812G>A, p.Trp271Ter (NM_006053.4); short protein forms W189*, W271*, W487*.
Identifiers: ClinVar variation 2679110 (VCV002679110.4), dbSNP rs2495648021, ClinGen allele CA381584336.

ClinVar aggregate classification (germline): Pathogenic/Likely pathogenic. Review status: criteria provided, multiple submitters, no conflicts (2 of 4 stars). 2 submissions from 2 submitters: Pathogenic (1); Likely pathogenic (1). Last evaluated 2024-02-14.

Conditions:
Autosomal recessive osteopetrosis 1. Also called: ALBERS-SCHONBERG DISEASE, AUTOSOMAL RECESSIVE; TCIRG1-Related Autosomal Recessive Osteopetrosis; TCIRG1-Related Osteopetrosis. Identifiers: Orphanet 667, MedGen C1850127, MONDO:0009815, OMIM 259700.

Allele frequency attached by ClinVar (database versions not stated): gnomAD exomes below 0.00001.
gnomAD v4.1: 3 of 1,612,804 alleles (0.00019%); highest among the groups gnomAD compares: South Asian, 0.0011%; no homozygotes.

Submissions (2):

Labcorp Genetics (formerly Invitae), Labcorp
Classification: Pathogenic. Last evaluated: 2024-02-14. Review status: criteria provided, single submitter. Criteria: Invitae Variant Classification Sherloc (09022015). Collection method: clinical testing. Allele origin: germline.
Comment: This sequence change creates a premature translational stop signal (p.Trp487*) in the TCIRG1 gene. It is expected to result in an absent or disrupted protein product. Loss-of-function variants in TCIRG1 are known to be pathogenic (PMID: 10888887, 10942435, 11532986, 19448635). This variant is not present in population databases (gnomAD no frequency). This variant has not been reported in the literature in individuals affected with TCIRG1-related conditions. For these reasons, this variant has been classified as Pathogenic.

Baylor Genetics
Classification: Likely pathogenic for Autosomal recessive osteopetrosis 1. Last evaluated: 2023-12-12. Review status: criteria provided, single submitter. Criteria: ACMG Guidelines, 2015. Collection method: clinical testing. Allele origin: unknown.

Literature cited by the submitters: PubMed 10888887 (cited by Labcorp Genetics (formerly Invitae), Labcorp); PubMed 10942435 (cited by Labcorp Genetics (formerly Invitae), Labcorp); PubMed 11532986 (cited by Labcorp Genetics (formerly Invitae), Labcorp); PubMed 19448635 (cited by Labcorp Genetics (formerly Invitae), Labcorp).